The following is an entry in ClinVar:

NM_053025.4(MYLK):c.2614G>T (p.Val872Leu)

Gene: MYLK (myosin light chain kinase; minus strand). Cytogenetic location: 3q21.1.
Variant type: single nucleotide variant.
Coding change: c.2614G>T on transcript NM_053025.4 (MANE Select); coding-DNA position 2614, G replaced by T.
Protein change: p.Val872Leu; replaces valine 872 with leucine.
Molecular consequence: missense variant.
Genome position (GRCh38, 1-based): chr3:123,700,854, C>A on the plus strand (G>T on the coding strand, the complement: MYLK is on the minus strand). VCF-style: chr3-123700854-C-A. GRCh37 (hg19) VCF-style: chr3-123419701-C-A.
Other names: c.2086G>T, p.Val696Leu (NM_001321309.2); c.2407G>T, p.Val803Leu (NM_053026.4, NM_053028.4); c.2614G>T, p.Val872Leu (NM_053027.4); short protein forms V696L, V803L, V872L.
Identifiers: ClinVar variation 4860626 (VCV004860626.1).

ClinVar aggregate classification (germline): Uncertain significance (1 of 4 stars; one submission).

Conditions:
Familial thoracic aortic aneurysm and aortic dissection (TAAD). Also called: Thoracic aortic aneurysms and dissections. Identifiers: Orphanet 91387, MedGen C4707243, MONDO:0019625.

gnomAD v4.1: 8 of 1,613,912 alleles (0.0005%); highest among the groups gnomAD compares: Non-Finnish European, 0.00068%; no homozygotes.

Submission:

Ambry Genetics
Classification: Uncertain significance for Familial thoracic aortic aneurysm and aortic dissection. Last evaluated: 2026-06-09. Review status: criteria provided, single submitter. Criteria: Ambry Variant Classification Scheme 2023. Collection method: clinical testing. Allele origin: germline.
Comment: The p.V872L variant (also known as c.2614G>T), located in coding exon 15 of the MYLK gene, results from a G to T substitution at nucleotide position 2614. The valine at codon 872 is replaced by leucine, an amino acid with highly similar properties. This amino acid position is conserved. In addition, this alteration is predicted to be tolerated by in silico analysis. Based on the available evidence, the clinical significance of this variant remains unclear.